The following is an entry in ClinVar:

NM_001377530.1(DMBT1):c.2087A>T (p.Asp696Val)

Gene: DMBT1 (deleted in malignant brain tumors 1; plus strand). Cytogenetic location: 10q26.13.
Variant type: single nucleotide variant.
Coding change: c.2087A>T on transcript NM_001377530.1 (MANE Select); coding-DNA position 2087, A replaced by T.
Protein change: p.Asp696Val; replaces aspartic acid 696 with valine.
Molecular consequence: missense variant. On other transcripts: intron variant (1).
Genome position (GRCh38, 1-based): chr10:122,589,247, A>T. VCF-style: chr10-122589247-A-T. GRCh37 (hg19) VCF-style: chr10-124348763-A-T.
Other names: c.2087A>T, p.Asp696Val (NM_001320644.2, NM_007329.3); c.2057A>T, p.Asp686Val (NM_017579.3); c.1420+4896A>T (NM_004406.3); c.2087A>T (NM_007329.2); short protein forms D696V, D686V.
Identifiers: ClinVar variation 1444036 (VCV001444036.7), dbSNP rs1014613149, ClinGen allele CA215128673.
Genomic context (GRCh38, chr10:122,589,247, plus strand): 5'-CCTACCTGTGGAGCTGCCCCAACAATGGCTGGCTCTCCCACAACTGTGGCCATCATGAAG[A>T]TGCTGGTGTCATCTGCTCAGGTGGGCCTCCAGCAATTTTGGTTTCCTCTCTTGGGGTAGA-3'
Protein context (NP_001364459.1, residues 686-706): WLSHNCGHHE[Asp696Val]AGVICSAAQS

ClinVar aggregate classification (germline): Uncertain significance. Review status: criteria provided, multiple submitters, no conflicts (2 of 4 stars). 2 submissions from 2 submitters: Uncertain significance (2). Last evaluated 2024-02-05.

gnomAD v4.1: 1 of 1,588,444 alleles (0.000063%); no homozygotes.

Submissions (2):

Ambry Genetics
Classification: Uncertain significance. Last evaluated: 2024-02-05. Review status: criteria provided, single submitter. Criteria: Ambry Variant Classification Scheme 2023. Collection method: clinical testing. Allele origin: germline.

Labcorp Genetics (formerly Invitae), Labcorp
Classification: Uncertain significance. Last evaluated: 2021-03-30. Review status: criteria provided, single submitter. Criteria: Invitae Variant Classification Sherloc (09022015). Collection method: clinical testing. Allele origin: germline.
Comment: In summary, the available evidence is currently insufficient to determine the role of this variant in disease. Therefore, it has been classified as a Variant of Uncertain Significance. Algorithms developed to predict the effect of missense changes on protein structure and function are either unavailable or do not agree on the potential impact of this missense change (SIFT: "Deleterious"; PolyPhen-2: "Not Available"; Align-GVGD: "Class C65"). This variant has not been reported in the literature in individuals with DMBT1-related conditions. This variant is not present in population databases (ExAC no frequency). This sequence change replaces aspartic acid with valine at codon 696 of the DMBT1 protein (p.Asp696Val). The aspartic acid residue is highly conserved and there is a large physicochemical difference between aspartic acid and valine.